The following is an entry in ClinVar:

NM_000492.4(CFTR):c.3782T>C (p.Leu1261Pro)

Genes: CFTR (CF transmembrane conductance regulator; plus strand), CFTR-AS2 (CFTR antisense RNA 2; minus strand). Cytogenetic location: 7q31.2.
Variant type: single nucleotide variant.
Coding change: c.3782T>C on transcript NM_000492.4 (MANE Select); coding-DNA position 3782, T replaced by C.
Protein change: p.Leu1261Pro; replaces leucine 1261 with proline.
Molecular consequence: missense variant.
Genome position (GRCh38, 1-based): chr7:117,642,502, T>C. VCF-style: chr7-117642502-T-C. GRCh37 (hg19) VCF-style: chr7-117282556-T-C.
Other names: short protein forms L1261P.
Identifiers: ClinVar variation 4651784 (VCV004651784.1).
Genomic context (GRCh38, chr7:117,642,502, plus strand): 5'-GCCTCTTGGGAAGAACTGGATCAGGGAAGAGTACTTTGTTATCAGCTTTTTTGAGACTAC[T>C]GAACACTGAAGGAGAAATCCAGATCGATGGTGTGTCTTGGGATTCAATAACTTTGCAACA-3'
Protein context (NP_000483.3, residues 1251-1271): STLLSAFLRL[Leu1261Pro]NTEGEIQIDG

ClinVar aggregate classification (germline): Uncertain significance (1 of 4 stars; one submission).

Conditions:
Cystic fibrosis (CF). Also called: MUCOVISCIDOSIS. Identifiers: Orphanet 586, MedGen C0010674, MONDO:0009061, OMIM 219700. Disease mechanism: loss of function.

Submission:

Ambry Genetics
Classification: Uncertain significance for Cystic fibrosis. Last evaluated: 2025-12-10. Review status: criteria provided, single submitter. Criteria: Ambry Variant Classification Scheme 2023. Collection method: clinical testing. Allele origin: germline.
Comment: The p.L1261P variant (also known as c.3782T>C), located in coding exon 23 of the CFTR gene, results from a T to C substitution at nucleotide position 3782. The leucine at codon 1261 is replaced by proline, an amino acid with similar properties. This amino acid position is conserved. In addition, this alteration is predicted to be deleterious by in silico analysis. Based on the available evidence, the clinical significance of this variant remains unclear.